The following is an entry in ClinVar:

ClinVar aggregate classification (germline): Uncertain significance (1 of 4 stars; one submission).

gnomAD v4.1: 6 of 1,610,886 alleles (0.00037%); highest among the groups gnomAD compares: Admixed American, 0.0017%; no homozygotes.

Submission:

Women's Health and Genetics/Laboratory Corporation of America, LabCorp
Classification: Uncertain significance. Last evaluated: 2024-06-21. Review status: criteria provided, single submitter. Criteria: LabCorp Variant Classification Summary - May 2015. Collection method: clinical testing. Allele origin: germline.
Comment: Variant summary: ARCN1 c.-3A>G is located in the untranslated mRNA region upstream of the initiation codon. The variant allele was found at a frequency of 4.2e-06 in 236862 control chromosomes. The available data on variant occurrences in the general population are insufficient to allow any conclusion about variant significance. To our knowledge, no occurrence of c.-3A>G in individuals affected with Short Stature, Rhizomelic, With Microcephaly, Micrognathia, And Developmental Delay and no experimental evidence demonstrating its impact on protein function have been reported. No submitters have cited clinical-significance assessments for this variant to ClinVar. Based on the evidence outlined above, the variant was classified as uncertain significance.

NM_001655.5(ARCN1):c.-3A>G

Genes: ARCN1 (archain 1; plus strand), IFT46 (intraflagellar transport 46; minus strand). Cytogenetic location: 11q23.3.
Variant type: single nucleotide variant.
Coding change: c.-3A>G on transcript NM_001655.5 (MANE Select); 3 bases upstream of the start codon, A replaced by G.
Molecular consequence: 5 prime UTR variant. On other transcripts: non-coding transcript variant (2).
Genome position (GRCh38, 1-based): chr11:118,572,545, A>G. VCF-style: chr11-118572545-A-G. GRCh37 (hg19) VCF-style: chr11-118443260-A-G.
Other names: c.-3A>G (NM_001142281.2, NM_001425073.1, NM_001425074.1 and 6 more transcripts); c.-236A>G (NM_001425076.1).
Identifiers: ClinVar variation 3339875 (VCV003339875.1).